The following is an entry in ClinVar:

NM_004562.3(PRKN):c.8T>C (p.Val3Ala)

Gene: PRKN (parkin RBR E3 ubiquitin protein ligase; minus strand). Cytogenetic location: 6q26.
Variant type: single nucleotide variant.
Coding change: c.8T>C on transcript NM_004562.3 (MANE Select); coding-DNA position 8, T replaced by C.
Protein change: p.Val3Ala; replaces valine 3 with alanine.
Molecular consequence: missense variant.
Genome position (GRCh38, 1-based): chr6:162,443,473, A>G on the plus strand (T>C on the coding strand, the complement: PRKN is on the minus strand). VCF-style: chr6-162443473-A-G. GRCh37 (hg19) VCF-style: chr6-162864505-A-G.
Other names: c.8T>C, p.Val3Ala (NM_013987.3, NM_013988.3); short protein forms V3A.
Identifiers: ClinVar variation 4707883 (VCV004707883.1).
Genomic context (GRCh38, chr6:162,443,473, plus strand): 5'-ATGCTGGTGTCAGAATCGACCTCCACTGGGAAACCATGGCTGGAGTTGAACCTGACAAAC[A>G]CTGACCAAGGAAATTGGAAGGGAGAAGAGAAAGTGAGCATCACTCGAAGCCCTTAAATGG-3'
Protein context (NP_004553.2, residues 1-13): MI[Val3Ala]FVRFNSSHGF

ClinVar aggregate classification (germline): Uncertain significance (1 of 4 stars; one submission).

gnomAD v4.1: 1 of 1,614,028 alleles (0.000062%); highest among the groups gnomAD compares: Non-Finnish European, 0.000085%; no homozygotes.

Submission:

Labcorp Genetics (formerly Invitae), Labcorp
Classification: Uncertain significance. Last evaluated: 2025-08-02. Review status: criteria provided, single submitter. Criteria: Invitae Variant Classification Sherloc (09022015). Collection method: clinical testing. Allele origin: germline.
Comment: This sequence change replaces valine, which is neutral and non-polar, with alanine, which is neutral and non-polar, at codon 3 of the PRKN protein (p.Val3Ala). This variant is not present in population databases (gnomAD no frequency). This variant has not been reported in the literature in individuals affected with PRKN-related conditions. An algorithm developed to predict the effect of missense changes on protein structure and function (PolyPhen-2) suggests that this variant is likely to be tolerated. This variant disrupts the p.Val3 amino acid residue in PRKN. Other variant(s) that disrupt this residue have been determined to be pathogenic (PMID: 32613234, 35861376). This suggests that this residue is clinically significant, and that variants that disrupt this residue are likely to be disease-causing. In summary, the available evidence is currently insufficient to determine the role of this variant in disease. Therefore, it has been classified as a Variant of Uncertain Significance.

Literature cited by the submitters: PubMed 32613234; PubMed 35861376.